The following is an entry in ClinVar:

NM_001257180.2(SLC20A2):c.1438_1439del (p.Ala480fs)

Gene: SLC20A2 (solute carrier family 20 member 2; minus strand). Cytogenetic location: 8p11.21.
Variant type: Deletion.
Coding change: c.1438_1439del on transcript NM_001257180.2 (MANE Select); coding-DNA positions 1438 to 1439, 2 bases deleted (GC; older notation c.1438_1439delGC).
Protein change: p.Ala480fs; shifts the reading frame from alanine 480.
Molecular consequence: frameshift variant.
Genome position (GRCh38, 1-based): chr8:42,437,073-42,437,074, GC deleted on the plus strand (GC on the coding strand, the reverse complement: SLC20A2 is on the minus strand); deleting any 2 consecutive bases within chr8:42,437,073-42,437,075 gives the same sequence; the c. name uses the placement nearest the transcript's 3' end. VCF-style (leftmost placement, unchanged base first): chr8-42437072-TGC-T. GRCh37 (hg19) VCF-style: chr8-42294590-TGC-T.
Other names: c.1438_1439del, p.Ala480fs (NM_001257181.2, NM_006749.5); short protein forms A480fs.
Identifiers: ClinVar variation 1805266 (VCV001805266.1), dbSNP rs2487176728, ClinGen allele CA2573050734.

ClinVar aggregate classification (germline): Pathogenic (1 of 4 stars; one submission).

Conditions:
Idiopathic basal ganglia calcification 1 (PFBC1A). Also called: Fahr's syndrome; Familial Idiopathic Basal Ganglia Calcification 2; Cerebral calcification nonarteriosclerotic idiopathic adult-onset; Striopallidodentate calcinosis autosomal dominant adult-onset; Ferrocalcinosis, cerebrovascular; Fahr disease, familial (formerly). Identifiers: Orphanet 1980, MedGen C4551624, MONDO:0024538, OMIM 213600.

Submission:

Victorian Clinical Genetics Services, Murdoch Childrens Research Institute
Classification: Pathogenic for Idiopathic basal ganglia calcification 1. Last evaluated: 2022-02-02. Review status: criteria provided, single submitter. Criteria: ACMG Guidelines, 2015. Collection method: clinical testing. Allele origin: germline. Inheritance: Autosomal dominant inheritance.
Comment: Based on the classification scheme VCGS_Germline_v1.3.4, this variant is classified as Pathogenic. Following criteria are met: 0103 - Dominant negative and loss of function are known mechanisms of disease in this gene and are associated with basal ganglia calcification, idiopathic, 1 (MIM#213600). Missense variants can have both loss of function and dominant negative effects, while PTC variants are only known to have loss of function effects (PMID: 24209445, 23437308, 22327515, 27943094). (I) 0107 - This gene is associated with autosomal dominant disease. (I) 0115 - Variants in this gene are known to have variable expressivity. In two large pedigrees, mutation positive family members are all seen to have basal ganglia calcification but only some are symptomatic (PMID: 22327515). (I) 0201 - Variant is predicted to cause nonsense-mediated decay (NMD) and loss of protein (premature termination codon is located at least 54 nucleotides upstream of the final exon-exon junction). (SP) 0251 - This variant is heterozygous. (I) 0301 - Variant is absent from gnomAD (both v2 and v3). (SP) 0701 - Other NMD-predicted variants comparable to the one identified in this case have very strong previous evidence for pathogenicity (DECIPHER). (SP) 0807 - This variant has no previous evidence of pathogenicity. (I) 0905 - No published segregation evidence has been identified for this variant. (I) 1007 - No published functional evidence has been identified for this variant. (I) 1208 - Inheritance information for this variant is not currently available in this individual. (I) Legend: (SP) - Supporting pathogenic, (I) - Information, (SB) - Supporting benign

Literature cited by the submitters: PubMed 22327515; PubMed 23437308; PubMed 24209445; PubMed 27943094.